The following is an entry in ClinVar:

NM_004168.4(SDHA):c.160C>T (p.Gln54Ter)

Gene: SDHA (succinate dehydrogenase complex flavoprotein subunit A; plus strand). Cytogenetic location: 5p15.33.
Variant type: single nucleotide variant.
Coding change: c.160C>T on transcript NM_004168.4 (MANE Select); coding-DNA position 160, C replaced by T.
Protein change: p.Gln54Ter; replaces glutamine 54 with a stop codon.
Molecular consequence: nonsense.
Genome position (GRCh38, 1-based): chr5:224,369, C>T. VCF-style: chr5-224369-C-T. GRCh37 (hg19) VCF-style: chr5-224484-C-T.
Other names: c.160C>T, p.Gln54Ter (NM_001294332.2, NM_001330758.2); short protein forms Q54*.
Identifiers: ClinVar variation 962458 (VCV000962458.18), dbSNP rs1560985916, ClinGen allele CA359008385.

ClinVar aggregate classification (germline): Pathogenic. Review status: criteria provided, multiple submitters, no conflicts (2 of 4 stars). 5 submissions from 5 submitters: Pathogenic (5). Last evaluated 2025-05-06.

Conditions:
Mitochondrial complex II deficiency, nuclear type 1. Also called: SUCCINATE CoQ REDUCTASE DEFICIENCY. Identifiers: Orphanet 3208, MedGen C5700310, MONDO:0100294, OMIM 252011.
Pheochromocytoma/paraganglioma syndrome 5. Also called: SDHA-Related Hereditary Paraganglioma-Pheochromocytoma Syndrome; Paragangliomas 5. Identifiers: Orphanet 29072, MedGen C3279992, MONDO:0013602, OMIM 614165.
Neurodegeneration with ataxia and late-onset optic atrophy. Identifiers: MedGen C5543254, MONDO:0031006, OMIM 619259.
Dilated cardiomyopathy 1GG (CMD1GG). Identifiers: Orphanet 154, MedGen C3150898, MONDO:0013339, OMIM 613642.
Hereditary cancer-predisposing syndrome. Also called: Neoplastic Syndromes, Hereditary; Tumor predisposition; Hereditary neoplastic syndrome; Hereditary Cancer Syndrome. Identifiers: Orphanet 140162, MedGen C0027672, MeSH D009386, MONDO:0015356.

Allele frequency attached by ClinVar (database versions not stated): gnomAD exomes below 0.00001.
gnomAD v4.1: 1 of 1,613,298 alleles (0.000062%); highest among the groups gnomAD compares: Non-Finnish European, 0.000085%; no homozygotes.

Submissions (5):

Labcorp Genetics (formerly Invitae), Labcorp
Classification: Pathogenic for Pheochromocytoma/paraganglioma syndrome 5; Mitochondrial complex II deficiency, nuclear type 1. Last evaluated: 2025-05-06. Review status: criteria provided, single submitter. Criteria: Invitae Variant Classification Sherloc (09022015). Collection method: clinical testing. Allele origin: germline.
Comment: This sequence change creates a premature translational stop signal (p.Gln54*) in the SDHA gene. It is expected to result in an absent or disrupted protein product. Loss-of-function variants in SDHA are known to be pathogenic (PMID: 22974104, 24781757). This variant is not present in population databases (gnomAD no frequency). This premature translational stop signal has been observed in individual(s) with gastrointestinal stromal tumors (PMID: 23060355). ClinVar contains an entry for this variant (Variation ID: 962458). For these reasons, this variant has been classified as Pathogenic.

Ambry Genetics
Classification: Pathogenic for Hereditary cancer-predisposing syndrome. Last evaluated: 2025-01-02. Review status: criteria provided, single submitter. Criteria: Ambry Variant Classification Scheme 2023. Collection method: clinical testing. Allele origin: germline.
Comment: The p.Q54* pathogenic mutation (also known as c.160C>T), located in coding exon 3 of the SDHA gene, results from a C to T substitution at nucleotide position 160. This changes the amino acid from a glutamine to a stop codon within coding exon 3. This variant is considered to be rare based on population cohorts in the Genome Aggregation Database (gnomAD). This alteration is expected to result in loss of function by premature protein truncation or nonsense-mediated mRNA decay. As such, this alteration is interpreted as a disease-causing mutation.

Myriad Genetics, Inc.
Classification: Pathogenic for Pheochromocytoma/paraganglioma syndrome 5. Last evaluated: 2024-08-20. Review status: criteria provided, single submitter. Criteria: Myriad Autosomal Dominant, Autosomal Recessive and X-Linked Classification Criteria (2023). Collection method: clinical testing. Allele origin: unknown.
Comment: This variant is considered pathogenic. This variant creates a termination codon and is predicted to result in premature protein truncation.

GeneDx
Classification: Pathogenic. Last evaluated: 2024-04-25. Review status: criteria provided, single submitter. Criteria: GeneDx Variant Classification Process June 2021. Collection method: clinical testing. Allele origin: germline. Affected: yes.
Comment: Nonsense variant predicted to result in protein truncation or nonsense mediated decay in a gene for which loss of function is a known mechanism of disease; Not observed at significant frequency in large population cohorts (gnomAD); This variant is associated with the following publications: (PMID: 25394176, 22974104, 24886695, 30201732, 36980917, 23060355)

Juno Genomics, Hangzhou Juno Genomics, Inc
Classification: Pathogenic for Pheochromocytoma/paraganglioma syndrome 5; Dilated cardiomyopathy 1GG; Mitochondrial complex II deficiency, nuclear type 1; Neurodegeneration with ataxia and late-onset optic atrophy. Review status: criteria provided, single submitter. Criteria: ACMG Guidelines, 2015. Collection method: clinical testing. Allele origin: germline.
Comment: Absent from controls (or at extremely low frequency if recessive) in Genome Aggregation Database.;Null variant in a gene where loss of function (LOF) is a known mechanism of disease.;The prevalence of the variant in affected individuals is significantly increased compared to the prevalence in controls.

Literature cited by the submitters: PubMed 22974104 (cited by Labcorp Genetics (formerly Invitae), Labcorp); PubMed 24781757 (cited by Labcorp Genetics (formerly Invitae), Labcorp); PubMed 23060355 (cited by Labcorp Genetics (formerly Invitae), Labcorp).